The following is an entry in ClinVar:

ClinVar aggregate classification (germline): Uncertain significance. Review status: criteria provided, multiple submitters, no conflicts (2 of 4 stars). 2 submissions from 2 submitters: Uncertain significance (2). Last evaluated 2025-04-12.

Conditions:
Inborn genetic diseases. Identifiers: MedGen C0950123, MeSH D030342.

Submissions (2):

Ambry Genetics
Classification: Uncertain significance for Inborn genetic diseases. Last evaluated: 2025-04-12. Review status: criteria provided, single submitter. Criteria: Ambry Variant Classification Scheme 2023. Collection method: clinical testing. Allele origin: germline.

Labcorp Genetics (formerly Invitae), Labcorp
Classification: Uncertain significance. Last evaluated: 2022-07-12. Review status: criteria provided, single submitter. Criteria: Invitae Variant Classification Sherloc (09022015). Collection method: clinical testing. Allele origin: germline.
Comment: This sequence change replaces phenylalanine, which is neutral and non-polar, with leucine, which is neutral and non-polar, at codon 3214 of the USH2A protein (p.Phe3214Leu). This variant is not present in population databases (gnomAD no frequency). This variant has not been reported in the literature in individuals affected with USH2A-related conditions. ClinVar contains an entry for this variant (Variation ID: 1397375). Algorithms developed to predict the effect of missense changes on protein structure and function output the following: SIFT: "Tolerated"; PolyPhen-2: "Benign"; Align-GVGD: "Class C0". The leucine amino acid residue is found in multiple mammalian species, which suggests that this missense change does not adversely affect protein function. In summary, the available evidence is currently insufficient to determine the role of this variant in disease. Therefore, it has been classified as a Variant of Uncertain Significance.

NM_206933.4(USH2A):c.9640T>C (p.Phe3214Leu)

Gene: USH2A (usherin; minus strand). Cytogenetic location: 1q41.
Variant type: single nucleotide variant.
Coding change: c.9640T>C on transcript NM_206933.4 (MANE Select); coding-DNA position 9640, T replaced by C.
Protein change: p.Phe3214Leu; replaces phenylalanine 3214 with leucine.
Molecular consequence: missense variant.
Genome position (GRCh38, 1-based): chr1:215,813,835, A>G on the plus strand (T>C on the coding strand, the complement: USH2A is on the minus strand). VCF-style: chr1-215813835-A-G. GRCh37 (hg19) VCF-style: chr1-215987177-A-G.
Other names: c.9640T>C (NM_206933.2); short protein forms F3214L.
Identifiers: ClinVar variation 1397375 (VCV001397375.4), dbSNP rs2102793151, ClinGen allele CA344821945.